The following is an entry in ClinVar:

ClinVar aggregate classification (germline): Uncertain significance (0 of 4 stars; one submission).

Conditions:
NKX2-2-related disorder. Also called: NKX2-2-related condition.

gnomAD v4.1: 1 of 1,605,412 alleles (0.000062%); highest among the groups gnomAD compares: Non-Finnish European, 0.000085%; no homozygotes.

Submission:

PreventionGenetics, part of Exact Sciences
Classification: Uncertain significance for NKX2-2-related condition. Last evaluated: 2024-05-16. Review status: no assertion criteria provided. Collection method: clinical testing. Allele origin: germline.
Comment: The NKX2-2 c.206G>A variant is predicted to result in the amino acid substitution p.Ser69Asn. To our knowledge, this variant has not been reported in the literature or in a large population database, indicating this variant is rare. At this time, the clinical significance of this variant is uncertain due to the absence of conclusive functional and genetic evidence.

NM_002509.4(NKX2-2):c.206G>A (p.Ser69Asn)

Gene: NKX2-2 (NK2 homeobox 2; minus strand). Cytogenetic location: 20p11.22.
Variant type: single nucleotide variant.
Coding change: c.206G>A on transcript NM_002509.4 (MANE Select); coding-DNA position 206, G replaced by A.
Protein change: p.Ser69Asn; replaces serine 69 with asparagine.
Molecular consequence: missense variant.
Genome position (GRCh38, 1-based): chr20:21,513,464, C>T on the plus strand (G>A on the coding strand, the complement: NKX2-2 is on the minus strand). VCF-style: chr20-21513464-C-T. GRCh37 (hg19) VCF-style: chr20-21494102-C-T.
Other names: c.206G>A, p.Ser69Asn (NM_001424412.1); short protein forms S69N.
Identifiers: ClinVar variation 3357581 (VCV003357581.1).